The following is an entry in ClinVar:

ClinVar aggregate classification (germline): Uncertain significance (1 of 4 stars; one submission).

Submission:

Ambry Genetics
Classification: Uncertain significance. Last evaluated: 2026-05-06. Review status: criteria provided, single submitter. Criteria: Ambry Variant Classification Scheme 2023. Collection method: clinical testing. Allele origin: germline.
Comment: The c.716G>T (p.S239I) alteration is located in exon 8 (coding exon 7) of the KIF20B gene. This alteration results from a G to T substitution at nucleotide position 716, causing the serine (S) at amino acid position 239 to be replaced by an isoleucine (I). Based on data from gnomAD, the T allele has an overall frequency of 0.001% (2/216410) total alleles studied. The highest observed frequency was 0.008% (2/23672) of Latino alleles. Based on insufficient or conflicting evidence, the clinical significance of this alteration remains unclear.

NM_001284259.2(KIF20B):c.716G>T (p.Ser239Ile)

Gene: KIF20B (kinesin family member 20B; plus strand). Cytogenetic location: 10q23.31.
Variant type: single nucleotide variant.
Coding change: c.716G>T on transcript NM_001284259.2 (MANE Select); coding-DNA position 716, G replaced by T.
Protein change: p.Ser239Ile; replaces serine 239 with isoleucine.
Molecular consequence: missense variant. On other transcripts: non-coding transcript variant (2), intron variant (1).
Genome position (GRCh38, 1-based): chr10:89,714,958, G>T. VCF-style: chr10-89714958-G-T. GRCh37 (hg19) VCF-style: chr10-91474715-G-T.
Other names: c.716G>T, p.Ser239Ile (NM_016195.4); c.676-173G>T (NM_001382506.1); short protein forms S239I.
Identifiers: ClinVar variation 4858892 (VCV004858892.1).